The following is an entry in ClinVar:

NM_000173.7(GP1BA):c.1757G>A (p.Arg586Gln)

Genes: GP1BA (glycoprotein Ib platelet subunit alpha; plus strand), LOC130060044 (ATAC-STARR-seq lymphoblastoid active region 11554; plus strand). Cytogenetic location: 17p13.2.
Variant type: single nucleotide variant.
Coding change: c.1757G>A on transcript NM_000173.7 (MANE Select); coding-DNA position 1757, G replaced by A.
Protein change: p.Arg586Gln; replaces arginine 586 with glutamine.
Molecular consequence: missense variant.
Genome position (GRCh38, 1-based): chr17:4,934,361, G>A. VCF-style: chr17-4934361-G-A. GRCh37 (hg19) VCF-style: chr17-4837656-G-A.
Other names: short protein forms R586Q.
Identifiers: ClinVar variation 4265212 (VCV004265212.2).

ClinVar aggregate classification (germline): Uncertain significance. Review status: criteria provided, multiple submitters, no conflicts (2 of 4 stars). 2 submissions from 2 submitters: Uncertain significance (2). Last evaluated 2025-12-22.

Conditions:
Inborn genetic diseases. Identifiers: MedGen C0950123, MeSH D030342.

Submissions (2):

Women's Health and Genetics/Laboratory Corporation of America, LabCorp
Classification: Uncertain significance. Last evaluated: 2025-12-22. Review status: criteria provided, single submitter. Criteria: LabCorp Variant Classification Summary - May 2015. Collection method: clinical testing. Allele origin: germline.
Comment: Variant summary: GP1BA c.1757G>A (p.Arg586Gln) results in a conservative amino acid change in the encoded protein sequence. Algorithms developed to predict the effect of missense changes on protein structure and function all suggest that this variant is likely to be tolerated. The variant allele was found at a frequency of 4.4e-05 in 249236 control chromosomes. This frequency is not significantly higher than estimated for disease-causing variants in GP1BA, allowing no conclusion about variant significance. To our knowledge, no occurrence of c.1757G>A in individuals affected with GP1BA-related conditions and no experimental evidence demonstrating its impact on protein function have been reported. ClinVar contains an entry for this variant (Variation ID: 4265212). Based on the evidence outlined above, the variant was classified as uncertain significance.

Ambry Genetics
Classification: Uncertain significance for Inborn genetic diseases. Last evaluated: 2025-07-15. Review status: criteria provided, single submitter. Criteria: Ambry Variant Classification Scheme 2023. Collection method: clinical testing. Allele origin: germline.